The following is an entry in ClinVar:

NM_000169.3(GLA):c.394G>A (p.Gly132Arg)

Genes: GLA (galactosidase alpha; minus strand), RPL36A-HNRNPH2 (RPL36A-HNRNPH2 readthrough; plus strand). Cytogenetic location: Xq22.1.
Variant type: single nucleotide variant.
Coding change: c.394G>A on transcript NM_000169.3 (MANE Select); coding-DNA position 394, G replaced by A.
Protein change: p.Gly132Arg; replaces glycine 132 with arginine.
Molecular consequence: missense variant. On other transcripts: non-coding transcript variant (3), intron variant (2).
Genome position (GRCh38, 1-based): chrX:101,401,785, C>T on the plus strand (G>A on the coding strand, the complement: GLA is on the minus strand). VCF-style: chrX-101401785-C-T. GRCh37 (hg19) VCF-style: chrX-100656773-C-T.
Other names: c.517G>A, p.Gly173Arg (NM_001406747.1, NM_001406749.1); c.394G>A, p.Gly132Arg (NM_001406748.1); c.300+6328C>T (NM_001199973.2); c.177+9963C>T (NM_001199974.2); short protein forms G132R, G173R.
Identifiers: ClinVar variation 498788 (VCV000498788.17), dbSNP rs1555985855, ClinGen allele CA413930675.

ClinVar aggregate classification (germline): Pathogenic/Likely pathogenic. Review status: criteria provided, multiple submitters, no conflicts (2 of 4 stars). 4 submissions from 4 submitters: Pathogenic (3); Likely pathogenic (1). Last evaluated 2026-09-08.

Conditions:
Fabry disease. Also called: GLA DEFICIENCY; Fabry's disease; ALPHA-GALACTOSIDASE A DEFICIENCY; ANDERSON-FABRY DISEASE; CERAMIDE TRIHEXOSIDASE DEFICIENCY; Ceramide trihexosidosis. Identifiers: Orphanet 324, MedGen C0002986, MONDO:0010526, OMIM 301500, HP:0001071. Disease mechanism: Fabry disease is due to inactivating mutations in the X-linked GLA gene resulting in deficiency of the enzyme Alpha Galactosidase-A., loss of function.

Submissions (4):

Genomenon, Inc
Classification: Pathogenic for Fabry disease. Last evaluated: 2026-09-08. Review status: criteria provided, single submitter. Criteria: Genomenon Sequence Variant Interpretation Standards - Updated. Collection method: curation. Allele origin: germline. Affected: yes.
Comment: GLA p.Gly132Arg (c.394G>A) is a missense variant that changes the amino acid at codon 132 from Glycine to Arginine. This variant has been observed in at least one proband with clinical features consistent with Fabry disease (PMID:28615118;32127409;12175777). At least one functional study has demonstrated a substantial alteration in protein function relative to the wild-type (PMID:32023956;27657681). This variant is located in a mutational hotspot and/or important functional domain. It is absent or not present at a significant frequency in gnomAD. In silico models predict that this variant is possibly or probably damaging. In conclusion, we classify GLA p.Gly132Arg (c.394G>A) as a pathogenic variant.

Labcorp Genetics (formerly Invitae), Labcorp
Classification: Pathogenic for Fabry disease. Last evaluated: 2022-04-12. Review status: criteria provided, single submitter. Criteria: Invitae Variant Classification Sherloc (09022015). Collection method: clinical testing. Allele origin: germline.
Comment: For these reasons, this variant has been classified as Pathogenic. Experimental studies have shown that this missense change affects GLA function (PMID: 23935525). Algorithms developed to predict the effect of missense changes on protein structure and function (SIFT, PolyPhen-2, Align-GVGD) all suggest that this variant is likely to be disruptive. ClinVar contains an entry for this variant (Variation ID: 498788). This missense change has been observed in individual(s) with Fabry disease (PMID: 17532296, 18046674, 27560961, 28615118). This variant is not present in population databases (gnomAD no frequency). This sequence change replaces glycine, which is neutral and non-polar, with arginine, which is basic and polar, at codon 132 of the GLA protein (p.Gly132Arg).

Revvity Omics, Revvity
Classification: Likely pathogenic. Last evaluated: 2019-11-30. Review status: criteria provided, single submitter. Criteria: ACMG Guidelines, 2015. Collection method: clinical testing. Allele origin: germline.

Eurofins Ntd Llc (ga)
Classification: Pathogenic. Last evaluated: 2016-11-23. Review status: criteria provided, single submitter. Criteria: EGL Classification Definitions 2015. Collection method: clinical testing. Allele origin: germline. Observed: 1 variant allele, 1 hemizygote.

Literature cited by the submitters: PubMed 28615118 (cited by Genomenon, Inc and Labcorp Genetics (formerly Invitae), Labcorp); PubMed 32127409 (cited by Genomenon, Inc); PubMed 12175777 (cited by Genomenon, Inc); PubMed 32023956 (cited by Genomenon, Inc); PubMed 27657681 (cited by Genomenon, Inc); PubMed 23935525 (cited by Labcorp Genetics (formerly Invitae), Labcorp); PubMed 17532296 (cited by Labcorp Genetics (formerly Invitae), Labcorp); PubMed 18046674 (cited by Labcorp Genetics (formerly Invitae), Labcorp); PubMed 27560961 (cited by Labcorp Genetics (formerly Invitae), Labcorp).